The following is an entry in ClinVar:

NM_005121.3(MED13):c.2926T>C (p.Tyr976His)

Gene: MED13 (mediator complex subunit 13; minus strand). Cytogenetic location: 17q23.2.
Variant type: single nucleotide variant.
Coding change: c.2926T>C on transcript NM_005121.3 (MANE Select); coding-DNA position 2926, T replaced by C.
Protein change: p.Tyr976His; replaces tyrosine 976 with histidine.
Molecular consequence: missense variant.
Genome position (GRCh38, 1-based): chr17:61,983,077, A>G on the plus strand (T>C on the coding strand, the complement: MED13 is on the minus strand). VCF-style: chr17-61983077-A-G. GRCh37 (hg19) VCF-style: chr17-60060438-A-G.
Other names: short protein forms Y976H.
Identifiers: ClinVar variation 4977215 (VCV004977215.1).

ClinVar aggregate classification (germline): Uncertain significance (1 of 4 stars; one submission).

Conditions:
MED13-related disorder. Also called: MED13-related condition.

gnomAD v4.1: 9 of 1,612,842 alleles (0.00056%); highest among the groups gnomAD compares: Admixed American, 0.0067%; no homozygotes.

Submission:

PreventionGenetics, part of Exact Sciences
Classification: Uncertain significance for MED13-related condition. Last evaluated: 2025-12-05. Review status: criteria provided, single submitter. Criteria: ACMG Guidelines, 2015. Collection method: clinical testing. Allele origin: germline.
Comment: The MED13 c.2926T>C variant is predicted to result in the amino acid substitution p.Tyr976His. To our knowledge, this variant has not been reported in the literature. This variant is reported in 3 alleles out of ~279,000 in gnomAD. At this time, the clinical significance of this variant is uncertain due to the absence of conclusive functional and genetic evidence.